The following is an entry in ClinVar:

NM_000465.4(BARD1):c.1014C>G (p.Thr338=)

Gene: BARD1 (BRCA1 associated RING domain 1; minus strand). Cytogenetic location: 2q35.
Variant type: single nucleotide variant.
Coding change: c.1014C>G on transcript NM_000465.4 (MANE Select); coding-DNA position 1014, C replaced by G.
Protein change: p.Thr338=; no amino-acid change (threonine 338 retained).
Molecular consequence: synonymous variant. On other transcripts: non-coding transcript variant (2), intron variant (3).
Genome position (GRCh38, 1-based): chr2:214,780,860, G>C on the plus strand (C>G on the coding strand, the complement: BARD1 is on the minus strand). VCF-style: chr2-214780860-G-C. GRCh37 (hg19) VCF-style: chr2-215645584-G-C.
Other names: c.957C>G, p.Thr319= (NM_001282543.2); c.159-28305C>G (NM_001282548.2); c.215+16201C>G (NM_001282545.2); c.364+11437C>G (NM_001282549.2).
Identifiers: ClinVar variation 220253 (VCV000220253.19), dbSNP rs864622443, ClinGen allele CA350679.
Genomic context (GRCh38, chr2:214,780,860, plus strand): 5'-TGGTATATTTTCTGAGGGCACCGTTTGCTTAACAAAATCTCCACTGGTGCTCAGAATGCT[G>C]GTTCTACATCTCTTAGAAATGGGACTGGAAAGTCTATTGTGATGGCCACGTTTTCCATTA-3'
Protein context (NP_000456.2, residues 328-348): LSSPISKRCR[Thr338=]SILSTSGDFV

ClinVar aggregate classification (germline): Benign/Likely benign. Review status: criteria provided, multiple submitters, no conflicts (2 of 4 stars). 5 submissions from 5 submitters: Benign (1); Likely benign (4). Last evaluated 2025-10-01.

Conditions:
Hereditary cancer-predisposing syndrome. Also called: Hereditary neoplastic syndrome; Tumor predisposition; Hereditary Cancer Syndrome; Neoplastic Syndromes, Hereditary. Identifiers: Orphanet 140162, MedGen C0027672, MeSH D009386, MONDO:0015356.
Familial cancer of breast. Also called: hereditary breast carcinoma; Hereditary breast cancer; BREAST CANCER, FAMILIAL. Identifiers: Orphanet 227535, MedGen C0346153, MONDO:0016419, OMIM 114480. Disease mechanism: loss of function.

Allele frequency attached by ClinVar (database versions not stated): gnomAD exomes below 0.00001; gnomAD 0.00001; TOPMed 0.00002.
gnomAD v4.1: 5 of 1,613,986 alleles (0.00031%); highest among the groups gnomAD compares: African/African-American, 0.0053%; no homozygotes.

Submissions (5):

Labcorp Genetics (formerly Invitae), Labcorp
Classification: Likely benign for Familial cancer of breast. Last evaluated: 2025-10-01. Review status: criteria provided, single submitter. Criteria: Invitae Variant Classification Sherloc (09022015). Collection method: clinical testing. Allele origin: germline.

Myriad Genetics, Inc.
Classification: Benign for Familial cancer of breast. Last evaluated: 2024-07-23. Review status: criteria provided, single submitter. Criteria: Myriad Autosomal Dominant, Autosomal Recessive and X-Linked Classification Criteria (2023). Collection method: clinical testing. Allele origin: unknown.
Comment: This variant is considered benign. This variant is a silent/synonymous amino acid change and it is not expected to impact splicing.

Color Diagnostics, LLC DBA Color Health
Classification: Likely benign for Hereditary cancer-predisposing syndrome. Last evaluated: 2017-12-21. Review status: criteria provided, single submitter. Criteria: ACMG Guidelines, 2015. Collection method: clinical testing. Allele origin: germline.

Ambry Genetics
Classification: Likely benign for Hereditary cancer-predisposing syndrome. Last evaluated: 2016-01-22. Review status: criteria provided, single submitter. Criteria: Ambry Variant Classification Scheme 2023. Collection method: clinical testing. Allele origin: germline.

GeneDx
Classification: Likely benign. Last evaluated: 2015-10-28. Review status: criteria provided, single submitter. Criteria: GeneDx Variant Classification (06012015). Collection method: clinical testing. Allele origin: germline. Affected: yes.
Comment: This variant is considered likely benign or benign based on one or more of the following criteria: it is a conservative change, it occurs at a poorly conserved position in the protein, it is predicted to be benign by multiple in silico algorithms, and/or has population frequency not consistent with disease.